The following is an entry in ClinVar:

ClinVar aggregate classification (germline): Uncertain significance. Review status: criteria provided, multiple submitters, no conflicts (2 of 4 stars). 5 submissions from 5 submitters: Uncertain significance (4). 1 of the submissions does not count toward it. Last evaluated 2022-10-23.

Conditions:
Hereditary antithrombin deficiency (AT3D). Also called: Antithrombin III deficiency; Thrombophilia due to antithrombin III deficiency; Reduced antithrombin III activity; Antithrombin deficiency. Identifiers: Orphanet 82, MedGen C0272375, MONDO:0013144, OMIM 613118, HP:0001976.

Allele frequency attached by ClinVar (database versions not stated): ExAC 0.00003; gnomAD 0.00005; TOPMed 0.00005; gnomAD exomes 0.00006 and 0.00011; ESP Exome Variant Server 0.00008.
gnomAD v4.1: 175 of 1,614,024 alleles (0.011%); highest among the groups gnomAD compares: Non-Finnish European, 0.014%; no homozygotes.

Submissions (5):

Labcorp Genetics (formerly Invitae), Labcorp
Classification: Uncertain significance for Hereditary antithrombin deficiency. Last evaluated: 2022-10-23. Review status: criteria provided, single submitter. Criteria: Invitae Variant Classification Sherloc (09022015). Collection method: clinical testing. Allele origin: germline.
Comment: In summary, the available evidence is currently insufficient to determine the role of this variant in disease. Therefore, it has been classified as a Variant of Uncertain Significance. Advanced modeling of protein sequence and biophysical properties (such as structural, functional, and spatial information, amino acid conservation, physicochemical variation, residue mobility, and thermodynamic stability) performed at Invitae indicates that this missense variant is not expected to disrupt SERPINC1 protein function. ClinVar contains an entry for this variant (Variation ID: 161390). This missense change has been observed in individual(s) with AT deficiency (PMID: 22627591). This variant is present in population databases (rs372820797, gnomAD 0.01%). This sequence change replaces alanine, which is neutral and non-polar, with proline, which is neutral and non-polar, at codon 296 of the SERPINC1 protein (p.Ala296Pro).

Fulgent Genetics
Classification: Uncertain significance for Hereditary antithrombin deficiency. Last evaluated: 2021-10-16. Review status: criteria provided, single submitter. Criteria: ACMG Guidelines, 2015. Collection method: clinical testing. Allele origin: unknown.

Illumina Laboratory Services, Illumina
Classification: Uncertain significance for Hereditary antithrombin deficiency. Last evaluated: 2017-04-28. Review status: criteria provided, single submitter. Criteria: ICSL Variant Classification Criteria 13 December 2019. Collection method: clinical testing. Allele origin: germline.
Comment: This variant was observed as part of a predisposition screen in an ostensibly healthy population. A literature search was performed for the gene, cDNA change, and amino acid change (where applicable). Publications were found based on this search. However, the evidence from the literature, in combination with allele frequency data from public databases where available, was not sufficient to rule this variant in or out of causing disease. Therefore, this variant is classified as a variant of unknown significance.

ISTH-SSC Genomics in Thrombosis and Hemostasis, KU Leuven, Center for Molecular and Vascular Biology
Classification: Uncertain significance for Hereditary antithrombin deficiency. Review status: criteria provided, single submitter. Criteria: ACMG Guidelines, 2015. Collection method: clinical testing. Allele origin: germline. Affected: yes. Observed: 2 heterozygotes. Clinical features observed: Venous sinus thrombosis, Deep vein thrombosis, pulmonary embolism.
Comment: Submitted to GoldVariant by Kathleen Freson, Center for Molecular and Vascular Biology, Leuven, Belgium

CSER _CC_NCGL, University of Washington
Classification: Uncertain significance for Antithrombin deficiency. Last evaluated: 2014-06-01. Review status: no assertion criteria provided. Collection method: research. Allele origin: germline. Inheritance: Autosomal dominant inheritance. Study: ESP 6500 variant annotation. Not counted in ClinVar's aggregate classification.
Comment: Variants classified for the Actionable exomic incidental findings in 6503 participants: challenges of variant classification manuscript

Literature cited by the submitters: PubMed 22627591 (cited by Labcorp Genetics (formerly Invitae), Labcorp and Illumina Laboratory Services, Illumina).

NM_000488.4(SERPINC1):c.886G>C (p.Ala296Pro)

Gene: SERPINC1 (serpin family C member 1; minus strand). Cytogenetic location: 1q25.1.
Variant type: single nucleotide variant.
Coding change: c.886G>C on transcript NM_000488.4 (MANE Select); coding-DNA position 886, G replaced by C.
Protein change: p.Ala296Pro; replaces alanine 296 with proline.
Molecular consequence: missense variant.
Genome position (GRCh38, 1-based): chr1:173,909,819, C>G on the plus strand (G>C on the coding strand, the complement: SERPINC1 is on the minus strand). VCF-style: chr1-173909819-C-G. GRCh37 (hg19) VCF-style: chr1-173878957-C-G.
Other names: c.742G>C, p.Ala248Pro (NM_001365052.2); c.1009G>C, p.Ala337Pro (NM_001386302.1); c.967G>C, p.Ala323Pro (NM_001386303.1); c.865G>C, p.Ala289Pro (NM_001386304.1); c.829G>C, p.Ala277Pro (NM_001386305.1); c.670G>C, p.Ala224Pro (NM_001386306.1); short protein forms A296P, A248P, A224P, A277P, A289P, A323P, A337P.
Identifiers: ClinVar variation 161390 (VCV000161390.14), dbSNP rs372820797, ClinGen allele CA211882.